The following is an entry in ClinVar:

NM_002907.4(RECQL):c.1394T>G (p.Val465Gly)

Gene: RECQL (RecQ like helicase; minus strand). Cytogenetic location: 12p12.1.
Variant type: single nucleotide variant.
Coding change: c.1394T>G on transcript NM_002907.4 (MANE Select); coding-DNA position 1394, T replaced by G.
Protein change: p.Val465Gly; replaces valine 465 with glycine.
Molecular consequence: missense variant.
Genome position (GRCh38, 1-based): chr12:21,473,604, A>C on the plus strand (T>G on the coding strand, the complement: RECQL is on the minus strand). VCF-style: chr12-21473604-A-C. GRCh37 (hg19) VCF-style: chr12-21626538-A-C.
Other names: c.1394T>G, p.Val465Gly (NM_032941.3); short protein forms V465G.
Identifiers: ClinVar variation 4740681 (VCV004740681.1).
Genomic context (GRCh38, chr12:21,473,604, plus strand): 5'-AACTCACCACTGTCTTTACAGCAGTTATCGCACATTTTGTTACATGCTTCTGAGTTCCAT[A>C]CTTCATCAAAATGTTGAGCCATCAACACACGACGACATCTGCAAACACATTTAAAGATAC-3'
Protein context (NP_002898.2, residues 455-475): RVLMAQHFDE[Val465Gly]WNSEACNKMC

ClinVar aggregate classification (germline): Uncertain significance (1 of 4 stars; one submission).

Submission:

Labcorp Genetics (formerly Invitae), Labcorp
Classification: Uncertain significance. Last evaluated: 2025-04-30. Review status: criteria provided, single submitter. Criteria: Invitae Variant Classification Sherloc (09022015). Collection method: clinical testing. Allele origin: germline.
Comment: This sequence change replaces valine, which is neutral and non-polar, with glycine, which is neutral and non-polar, at codon 465 of the RECQL protein (p.Val465Gly). This variant is not present in population databases (gnomAD no frequency). This variant has not been reported in the literature in individuals affected with RECQL-related conditions. Invitae Evidence Modeling of protein sequence and biophysical properties (such as structural, functional, and spatial information, amino acid conservation, physicochemical variation, residue mobility, and thermodynamic stability) indicates that this missense variant is not expected to disrupt RECQL protein function with a negative predictive value of 80%. In summary, the available evidence is currently insufficient to determine the role of this variant in disease. Therefore, it has been classified as a Variant of Uncertain Significance.